The following is an entry in ClinVar:

NM_013447.4(ADGRE2):c.829-11_829-10delinsGT

Gene: ADGRE2 (adhesion G protein-coupled receptor E2; minus strand). Cytogenetic location: 19p13.12.
Variant type: Indel.
Coding change: c.829-11_829-10delinsGT on transcript NM_013447.4 (MANE Select); 11 bases into the intron before coding-DNA position 829 through 10 bases into the intron before coding-DNA position 829, TC replaced by GT.
Molecular consequence: intron variant.
Genome position (GRCh38, 1-based): chr19:14,765,407-14,765,408, GA replaced by AC on the plus strand (TC replaced by GT on the coding strand, the reverse complement: ADGRE2 is on the minus strand). VCF-style: chr19-14765407-GA-AC. GRCh37 (hg19) VCF-style: chr19-14876219-GA-AC.
Other names: c.829-11_829-10delinsGT (NM_001271052.1).
Identifiers: ClinVar variation 1901362 (VCV001901362.5), dbSNP rs2513236109, ClinGen allele CA2580096644.

ClinVar aggregate classification (germline): Uncertain significance (1 of 4 stars; one submission).

Submission:

Labcorp Genetics (formerly Invitae), Labcorp
Classification: Uncertain significance. Last evaluated: 2025-01-13. Review status: criteria provided, single submitter. Criteria: Invitae Variant Classification Sherloc (09022015). Collection method: clinical testing. Allele origin: germline.
Comment: This sequence change falls in intron 9 of the ADGRE2 gene. It does not directly change the encoded amino acid sequence of the ADGRE2 protein. Information on the frequency of this variant in the gnomAD database is not available, as this variant may be reported differently in the database. This variant has not been reported in the literature in individuals affected with ADGRE2-related conditions. ClinVar contains an entry for this variant (Variation ID: 1901362). Experimental studies and prediction algorithms are not available or were not evaluated, and the effect of this variant on mRNA splicing is currently unknown. In summary, the available evidence is currently insufficient to determine the role of this variant in disease. Therefore, it has been classified as a Variant of Uncertain Significance.